The following is an entry in ClinVar:

ClinVar aggregate classification (germline): Benign/Likely benign. Review status: criteria provided, multiple submitters, no conflicts (2 of 4 stars). 2 submissions from 2 submitters: Benign (1); Likely benign (1). Last evaluated 2025-03-07.

Conditions:
Hereditary cancer-predisposing syndrome. Also called: Neoplastic Syndromes, Hereditary; Tumor predisposition; Hereditary Cancer Syndrome; Hereditary neoplastic syndrome. Identifiers: Orphanet 140162, MedGen C0027672, MeSH D009386, MONDO:0015356.
Pheochromocytoma/paraganglioma syndrome 5. Also called: Paragangliomas 5; SDHA-Related Hereditary Paraganglioma-Pheochromocytoma Syndrome. Identifiers: Orphanet 29072, MedGen C3279992, MONDO:0013602, OMIM 614165.

gnomAD v4.1: 1 of 1,613,938 alleles (0.000062%); highest among the groups gnomAD compares: East Asian, 0.0022%; no homozygotes.

Submissions (2):

Myriad Genetics, Inc.
Classification: Benign for Pheochromocytoma/paraganglioma syndrome 5. Last evaluated: 2025-03-07. Review status: criteria provided, single submitter. Criteria: Myriad Autosomal Dominant, Autosomal Recessive and X-Linked Classification Criteria (2023). Collection method: clinical testing. Allele origin: unknown.
Comment: This variant is considered benign. This variant is a silent/synonymous amino acid change and it is not expected to impact splicing.

Ambry Genetics
Classification: Likely benign for Hereditary cancer-predisposing syndrome. Last evaluated: 2023-02-09. Review status: criteria provided, single submitter. Criteria: Ambry Variant Classification Scheme 2023. Collection method: clinical testing. Allele origin: germline.

NM_004168.4(SDHA):c.1074C>G (p.Gly358=)

Gene: SDHA (succinate dehydrogenase complex flavoprotein subunit A; plus strand). Cytogenetic location: 5p15.33.
Variant type: single nucleotide variant.
Coding change: c.1074C>G on transcript NM_004168.4 (MANE Select); coding-DNA position 1074, C replaced by G.
Protein change: p.Gly358=; no amino-acid change (glycine 358 retained).
Molecular consequence: synonymous variant.
Genome position (GRCh38, 1-based): chr5:235,153, C>G. VCF-style: chr5-235153-C-G. GRCh37 (hg19) VCF-style: chr5-235268-C-G.
Other names: c.930C>G, p.Gly310= (NM_001294332.2); c.1074C>G, p.Gly358= (NM_001330758.2).
Identifiers: ClinVar variation 2452804 (VCV002452804.3), dbSNP rs1421396049, ClinGen allele CA442691924.